The following is an entry in ClinVar:

NM_001374736.1(DST):c.12921A>T (p.Ile4307=)

Gene: DST (dystonin; minus strand). Cytogenetic location: 6p12.1.
Variant type: single nucleotide variant.
Coding change: c.12921A>T on transcript NM_001374736.1 (MANE Select); coding-DNA position 12921, A replaced by T.
Protein change: p.Ile4307=; no amino-acid change (isoleucine 4307 retained).
Molecular consequence: synonymous variant.
Genome position (GRCh38, 1-based): chr6:56,578,920, T>A on the plus strand (A>T on the coding strand, the complement: DST is on the minus strand). VCF-style: chr6-56578920-T-A. GRCh37 (hg19) VCF-style: chr6-56443718-T-A.
Other names: c.6564A>T, p.Ile2188= (NM_001144769.5); c.6150A>T, p.Ile2050= (NM_001144770.2); c.12921A>T, p.Ile4307= (NM_001374722.1); c.12288A>T, p.Ile4096= (NM_001374729.1); c.6030A>T, p.Ile2010= (NM_001374730.1, NM_001386100.1, NM_183380.4); c.12948A>T, p.Ile4316= (NM_001374734.1); c.5052A>T, p.Ile1684= (NM_015548.5).
Identifiers: ClinVar variation 4994595 (VCV004994595.1).

ClinVar aggregate classification (germline): Likely benign (1 of 4 stars; one submission).

Conditions:
DST-related disorder. Also called: DST-related disorders; DST-related condition.

Submission:

PreventionGenetics, part of Exact Sciences
Classification: Likely benign for DST-related condition. Last evaluated: 2026-08-21. Review status: criteria provided, single submitter. Criteria: ACMG Guidelines, 2015. Collection method: clinical testing. Allele origin: germline.
Comment: This variant is classified as likely benign based on ACMG/AMP sequence variant interpretation guidelines (Richards et al. 2015 PMID: 25741868, with internal and published modifications).